The following is an entry in ClinVar:

NM_000264.5(PTCH1):c.1919G>T (p.Ser640Ile)

Genes: PTCH1 (patched 1; minus strand), LOC100507346 (uncharacterized LOC100507346; plus strand). Cytogenetic location: 9q22.32.
Variant type: single nucleotide variant.
Coding change: c.1919G>T on transcript NM_000264.5 (MANE Select); coding-DNA position 1919, G replaced by T.
Protein change: p.Ser640Ile; replaces serine 640 with isoleucine.
Molecular consequence: missense variant. On other transcripts: non-coding transcript variant (2).
Genome position (GRCh38, 1-based): chr9:95,469,082, C>A on the plus strand (G>T on the coding strand, the complement: PTCH1 is on the minus strand). VCF-style: chr9-95469082-C-A. GRCh37 (hg19) VCF-style: chr9-98231364-C-A.
Other names: c.1721G>T, p.Ser574Ile (NM_001083602.3); c.1916G>T, p.Ser639Ile (NM_001083603.3); c.1466G>T, p.Ser489Ile (NM_001083604.3, NM_001083605.3, NM_001083606.3 and 1 more transcripts); c.1763G>T, p.Ser588Ile (NM_001354918.2); short protein forms S489I, S574I, S588I, S639I, S640I.
Identifiers: ClinVar variation 1782624 (VCV001782624.2), dbSNP rs1588575485, ClinGen allele CA374116046.
Genomic context (GRCh38, chr9:95,469,082, plus strand): 5'-GACTGCATGGTAATCTGCGTTTCATGGGCAAAGCTGTGGCTGCTGTAGGGAGGTGGGGGG[C>A]TGTAGCGGGTATTGTCGTGTGTGTCGGTGTAGGCCTGAGGTTCAACCTGAATCACTCTGC-3'
Protein context (NP_000255.2, residues 630-650): YTDTHDNTRY[Ser640Ile]PPPPYSSHSF

ClinVar aggregate classification (germline): Uncertain significance (1 of 4 stars; one submission).

Conditions:
Hereditary cancer-predisposing syndrome. Also called: Neoplastic Syndromes, Hereditary; Tumor predisposition; Hereditary Cancer Syndrome; Hereditary neoplastic syndrome. Identifiers: Orphanet 140162, MedGen C0027672, MeSH D009386, MONDO:0015356.

Submission:

Ambry Genetics
Classification: Uncertain significance for Hereditary cancer-predisposing syndrome. Last evaluated: 2020-09-23. Review status: criteria provided, single submitter. Criteria: Ambry Variant Classification Scheme 2023. Collection method: clinical testing. Allele origin: germline.
Comment: The p.S640I variant (also known as c.1919G>T), located in coding exon 14 of the PTCH1 gene, results from a G to T substitution at nucleotide position 1919. The serine at codon 640 is replaced by isoleucine, an amino acid with dissimilar properties. This amino acid position is highly conserved in available vertebrate species. In addition, this alteration is predicted to be deleterious by in silico analysis. Since supporting evidence is limited at this time, the clinical significance of this alteration remains unclear.